The following is an entry in ClinVar:

ClinVar aggregate classification (germline): Uncertain significance. Review status: criteria provided, multiple submitters, no conflicts (2 of 4 stars). 2 submissions from 2 submitters: Uncertain significance (2). Last evaluated 2026-02-18.

Conditions:
JAG1-related disorder. Also called: JAG1-related disorders; JAG1-related condition.
Alagille syndrome due to a JAG1 point mutation. Also called: JAG1-Related Alagille Syndrome; Alagille Syndrome 1; HEPATIC DUCTULAR HYPOPLASIA, SYNDROMATIC. Identifiers: Orphanet 261619, Orphanet 52, MedGen C1956125, MONDO:0016862, OMIM 118450.

Allele frequency attached by ClinVar (database versions not stated): gnomAD 0.00001; gnomAD exomes 0.00001; TOPMed 0.00001.
gnomAD v4.1: 15 of 1,597,100 alleles (0.00094%); highest among the groups gnomAD compares: Non-Finnish European, 0.0013%; no homozygotes.

Submissions (2):

PreventionGenetics, part of Exact Sciences
Classification: Uncertain significance for JAG1-related condition. Last evaluated: 2026-02-18. Review status: criteria provided, single submitter. Criteria: ACMG Guidelines, 2015. Collection method: clinical testing. Allele origin: germline.
Comment: The JAG1 c.1234+3A>G variant is predicted to interfere with splicing. This variant is predicted to weaken the nearby splice donor site according to available splicing prediction programs (SpliceAI; Jaganathan et al. 2019. PubMed ID: 30661751); however, the use of in silico prediction programs should not be considered equivalent to functional evidence. To our knowledge, this variant has not been reported in the literature. This variant is reported in 0.00088% of alleles in individuals of European (Non-Finnish) descent in gnomAD v2. In gnomAD v4 (available only on GRCh38), this variant is reported in 0.001288% of alleles in individuals of European (Non-Finnish) descent, which is more common than expected for an undocumented cause of disease. Although we suspect that this variant may be benign, at this time, the clinical significance of this variant is uncertain due to the absence of conclusive functional and genetic evidence.

Labcorp Genetics (formerly Invitae), Labcorp
Classification: Uncertain significance for Alagille syndrome due to a JAG1 point mutation. Last evaluated: 2023-07-28. Review status: criteria provided, single submitter. Criteria: Invitae Variant Classification Sherloc (09022015). Collection method: clinical testing. Allele origin: germline.
Comment: In summary, the available evidence is currently insufficient to determine the role of this variant in disease. Therefore, it has been classified as a Variant of Uncertain Significance. Variants that disrupt the consensus splice site are a relatively common cause of aberrant splicing (PMID: 17576681, 9536098). Algorithms developed to predict the effect of sequence changes on RNA splicing suggest that this variant may disrupt the consensus splice site. This variant has not been reported in the literature in individuals affected with JAG1-related conditions. This variant is present in population databases (no rsID available, gnomAD 0.0009%). This sequence change falls in intron 9 of the JAG1 gene. It does not directly change the encoded amino acid sequence of the JAG1 protein. It affects a nucleotide within the consensus splice site.

Literature cited by the submitters: PubMed 17576681 (cited by Labcorp Genetics (formerly Invitae), Labcorp); PubMed 9536098 (cited by Labcorp Genetics (formerly Invitae), Labcorp).

NM_000214.3(JAG1):c.1234+3A>G

Gene: JAG1 (jagged canonical Notch ligand 1; minus strand). Cytogenetic location: 20p12.2.
Variant type: single nucleotide variant.
Coding change: c.1234+3A>G on transcript NM_000214.3 (MANE Select); 3 bases into the intron after coding-DNA position 1234, A replaced by G.
Molecular consequence: intron variant.
Genome position (GRCh38, 1-based): chr20:10,650,244, T>C on the plus strand (A>G on the coding strand, the complement: JAG1 is on the minus strand). VCF-style: chr20-10650244-T-C. GRCh37 (hg19) VCF-style: chr20-10630892-T-C.
Other names: c.1234+3A>G (NM_000214.2).
Identifiers: ClinVar variation 2728401 (VCV002728401.4), dbSNP rs1209302268, ClinGen allele CA634454271.